The following is an entry in ClinVar:

NM_001253697.2(ERBIN):c.2733C>T (p.Val911=)

Gene: ERBIN (erbb2 interacting protein; plus strand). Cytogenetic location: 5q12.3.
Variant type: single nucleotide variant.
Coding change: c.2733C>T on transcript NM_001253697.2 (MANE Select); coding-DNA position 2733, C replaced by T.
Protein change: p.Val911=; no amino-acid change (valine 911 retained).
Molecular consequence: synonymous variant.
Genome position (GRCh38, 1-based): chr5:66,054,051, C>T. VCF-style: chr5-66054051-C-T. GRCh37 (hg19) VCF-style: chr5-65349879-C-T.
Other names: c.2733C>T, p.Val911= (NM_001006600.3, NM_001253698.2, NM_001253699.2 and 1 more transcripts); c.2721C>T, p.Val907= (NM_001253701.2).
Identifiers: ClinVar variation 771149 (VCV000771149.40), dbSNP rs145974638, ClinGen allele CA3286532.

ClinVar aggregate classification (germline): Likely benign. Review status: criteria provided, multiple submitters, no conflicts (2 of 4 stars). 3 submissions from 3 submitters: Likely benign (3). Last evaluated 2026-01-25.

Allele frequency attached by ClinVar (database versions not stated): 1000 Genomes Project 0.00060; 1000 Genomes Project 30x 0.00078; gnomAD 0.00111 and 0.00112; gnomAD exomes 0.00116 and 0.00133; ExAC 0.00131; TOPMed 0.00131; ESP Exome Variant Server 0.00146.
gnomAD v4.1: 1,891 of 1,614,112 alleles (0.12%); highest among the groups gnomAD compares: Middle Eastern, 0.33%; 1 homozygote.

Submissions (3):

Labcorp Genetics (formerly Invitae), Labcorp
Classification: Likely benign. Last evaluated: 2026-01-25. Review status: criteria provided, single submitter. Criteria: Invitae Variant Classification Sherloc (09022015). Collection method: clinical testing. Allele origin: germline.

Blueprint Genetics
Classification: Likely benign. Last evaluated: 2024-10-28. Review status: criteria provided, single submitter. Criteria: ACMG Guidelines, 2015. Collection method: clinical testing. Allele origin: germline.

CeGaT Center for Human Genetics Tuebingen
Classification: Likely benign. Last evaluated: 2024-09-01. Review status: criteria provided, single submitter. Criteria: CeGaT Center For Human Genetics Tuebingen Variant Classification Criteria Version 2. Collection method: clinical testing. Allele origin: germline. Affected: yes. Observed: 2 variant alleles.
Comment: ERBIN: BP4, BP7